The following is an entry in ClinVar:

ClinVar aggregate classification (germline): Conflicting classifications of pathogenicity. Review status: criteria provided, conflicting classifications (1 of 4 stars). 3 submissions from 3 submitters: Pathogenic (1); Likely pathogenic (1); Uncertain significance (1). Last evaluated 2024-08-23.

Conditions:
Joubert syndrome 33. Identifiers: MedGen C4540389, MONDO:0033311, OMIM 617767.
PIBF1-related disorder. Also called: PIBF1-related condition.

Submissions (3):

GeneDx
Classification: Uncertain significance. Last evaluated: 2024-08-23. Review status: criteria provided, single submitter. Criteria: GeneDx Variant Classification Process June 2021. Collection method: clinical testing. Allele origin: germline. Affected: yes.
Comment: Not observed at significant frequency in large population cohorts (gnomAD); Frameshift variant predicted to result in protein truncation or nonsense mediated decay in a gene or region of a gene for which loss of function is not a well-established mechanism of disease; Has not been previously published as pathogenic or benign to our knowledge

PreventionGenetics, part of Exact Sciences
Classification: Likely pathogenic for PIBF1-related condition. Last evaluated: 2023-05-15. Review status: criteria provided, single submitter. Criteria: ACMG Guidelines, 2015. Collection method: clinical testing. Allele origin: germline.
Comment: The PIBF1 c.1971_1973delinsT variant is predicted to result in a frameshift and premature protein termination (p.Leu657Phefs*2). To our knowledge, this variant has not been reported in the literature or in a large population database, indicating this variant is rare. Frameshift variants in PIBF1 are expected to be pathogenic. This variant is interpreted as likely pathogenic.

Johns Hopkins Genomics, Johns Hopkins University
Classification: Pathogenic for Joubert syndrome 33. Last evaluated: 2021-01-19. Review status: criteria provided, single submitter. Criteria: ACMG Guidelines, 2015. Collection method: clinical testing. Allele origin: germline.
Comment: This PIBF1 variant is rare (<0.1%) in a large population dataset (gnomAD: 4/241844 total alleles; 0.002%; no homozygotes) and has not been reported in the literature to our knowledge. This variant results in a frameshift in exon 16 of 18 that is predicted to introduce a premature termination codon (PTC), likely leading to nonsense-mediated decay and lack of protein production. We consider c.1971_1973delinsT to be pathogenic.

Literature cited by the submitters: PubMed 26167768 (cited by Johns Hopkins Genomics, Johns Hopkins University); PubMed 30858804 (cited by Johns Hopkins Genomics, Johns Hopkins University).

NM_006346.4(PIBF1):c.1971_1973delinsT (p.Leu657fs)

Gene: PIBF1 (progesterone immunomodulatory binding factor 1; plus strand). Cytogenetic location: 13q22.1.
Variant type: Indel.
Coding change: c.1971_1973delinsT on transcript NM_006346.4 (MANE Select); coding-DNA positions 1971 to 1973, AAA replaced by T.
Protein change: p.Leu657fs; shifts the reading frame from leucine 657.
Molecular consequence: frameshift variant. On other transcripts: non-coding transcript variant (1).
Genome position (GRCh38, 1-based): chr13:72,973,597-72,973,599, AAA replaced by T. VCF-style: chr13-72973597-AAA-T. GRCh37 (hg19) VCF-style: chr13-73547735-AAA-T.
Other names: c.2058_2060delinsT, p.Leu686fs (NM_001349655.2); c.1971_1973delinsT (NM_006346.2); short protein forms L657fs, L686fs.
Identifiers: ClinVar variation 996096 (VCV000996096.3), dbSNP rs774671946, ClinGen allele CA2101581182.